The following is an entry in ClinVar:

NM_001875.5(CPS1):c.586A>G (p.Asn196Asp)

Gene: CPS1 (carbamoyl-phosphate synthase 1; plus strand). Cytogenetic location: 2q34.
Variant type: single nucleotide variant.
Coding change: c.586A>G on transcript NM_001875.5 (MANE Select); coding-DNA position 586, A replaced by G.
Protein change: p.Asn196Asp; replaces asparagine 196 with aspartic acid.
Molecular consequence: missense variant. On other transcripts: non-coding transcript variant (1).
Genome position (GRCh38, 1-based): chr2:210,582,674, A>G. VCF-style: chr2-210582674-A-G. GRCh37 (hg19) VCF-style: chr2-211447398-A-G.
Other names: c.586A>G (LRG_336t1); c.586A>G, p.Asn196Asp (NM_001122633.3, NM_001369257.1); c.619A>G, p.Asn207Asp (NM_001369256.1); short protein forms N196D, N207D.
Identifiers: ClinVar variation 583382 (VCV000583382.11), dbSNP rs770935194, ClinGen allele CA2086078.

ClinVar aggregate classification (germline): Uncertain significance. Review status: criteria provided, multiple submitters, no conflicts (2 of 4 stars). 4 submissions from 4 submitters: Uncertain significance (3). 1 of the submissions does not count toward it. Last evaluated 2025-06-11.

Conditions:
CPS1-related disorder. Also called: CPS1-related condition.
Congenital hyperammonemia, type I. Also called: Carbamoyl-phosphate synthase I deficiency; Carbamoyl phosphate synthetase I deficiency disease; CPS I DEFICIENCY; Carbamoyl phosphate synthetase 1 deficiency; Hyperammonemia due to carbamoyl phosphate synthetase 1 deficiency; CPS 1 deficiency. Identifiers: Orphanet 147, MedGen C4082171, MONDO:0009376, OMIM 237300.

Allele frequency attached by ClinVar (database versions not stated): ExAC 0.00001; gnomAD exomes 0.00001.
gnomAD v4.1: 21 of 1,613,358 alleles (0.0013%); highest among the groups gnomAD compares: Non-Finnish European, 0.0017%; no homozygotes.

Submissions (4):

PreventionGenetics, part of Exact Sciences
Classification: Uncertain significance for CPS1-related condition. Last evaluated: 2025-06-11. Review status: criteria provided, single submitter. Criteria: ACMG Guidelines, 2015. Collection method: clinical testing. Allele origin: germline.
Comment: The CPS1 c.586A>G variant is predicted to result in the amino acid substitution p.Asn196Asp. To our knowledge, this variant has not been reported in the literature. This variant is reported in 0.0018% of alleles in individuals of European (Non-Finnish) descent in gnomAD. At this time, the clinical significance of this variant is uncertain due to the absence of conclusive functional and genetic evidence.

GeneDx
Classification: Uncertain significance. Last evaluated: 2025-03-06. Review status: criteria provided, single submitter. Criteria: GeneDx Variant Classification Process June 2021. Collection method: clinical testing. Allele origin: germline. Affected: yes.
Comment: Not observed at significant frequency in large population cohorts (gnomAD); In silico analysis supports that this missense variant has a deleterious effect on protein structure/function; Has not been previously published as pathogenic or benign to our knowledge

Labcorp Genetics (formerly Invitae), Labcorp
Classification: Uncertain significance for Congenital hyperammonemia, type I. Last evaluated: 2021-09-01. Review status: criteria provided, single submitter. Criteria: Invitae Variant Classification Sherloc (09022015). Collection method: clinical testing. Allele origin: germline.
Comment: This sequence change replaces asparagine with aspartic acid at codon 196 of the CPS1 protein (p.Asn196Asp). The asparagine residue is highly conserved and there is a small physicochemical difference between asparagine and aspartic acid. This variant is present in population databases (rs770935194, ExAC 0.002%). This variant has not been reported in the literature in individuals affected with CPS1-related conditions. Algorithms developed to predict the effect of missense changes on protein structure and function are either unavailable or do not agree on the potential impact of this missense change (SIFT: "Deleterious"; PolyPhen-2: "Probably Damaging"; Align-GVGD: "Class C0"). Algorithms developed to predict the effect of sequence changes on RNA splicing suggest that this variant may create or strengthen a splice site. In summary, the available evidence is currently insufficient to determine the role of this variant in disease. Therefore, it has been classified as a Variant of Uncertain Significance.

Natera, Inc.
Classification: Uncertain significance for Carbamoyl-phosphate synthase I deficiency. Last evaluated: 2021-01-25. Review status: no assertion criteria provided. Collection method: clinical testing. Allele origin: germline. Not counted in ClinVar's aggregate classification.